The following is an entry in ClinVar:

ClinVar aggregate classification (germline): Uncertain significance (1 of 4 stars; one submission).

Allele frequency attached by ClinVar (database versions not stated): gnomAD 0.00001.
gnomAD v4.1: 3 of 1,614,006 alleles (0.00019%); highest among the groups gnomAD compares: African/African-American, 0.0013%; no homozygotes.

Submissions (2):

GeneDx
Classification: Uncertain significance. Last evaluated: 2023-04-19. Review status: criteria provided, single submitter. Criteria: GeneDx Variant Classification Process June 2021. Collection method: clinical testing. Allele origin: germline. Affected: yes.
Comment: Not observed at significant frequency in large population cohorts (gnomAD); In silico analysis supports that this missense variant has a deleterious effect on protein structure/function; Has not been previously published as pathogenic or benign to our knowledge

Dr. Peter K. Rogan Lab, Western University
No classification provided (evidence only). Condition: Uterine corpus endometrial carcinoma. Review status: no classification provided. Collection method: in vitro. Allele origin: not applicable. Functional consequence: retained intron. Not counted in ClinVar's aggregate classification.

NM_001161352.2(KCNMA1):c.2662C>T (p.Arg888Trp)

Genes: KCNMA1 (potassium calcium-activated channel subfamily M alpha 1; minus strand), KCNMA1-AS1 (KCNMA1 antisense RNA 1; plus strand). Cytogenetic location: 10q22.3.
Variant type: single nucleotide variant.
Coding change: c.2662C>T on transcript NM_001161352.2 (MANE Select); coding-DNA position 2662, C replaced by T.
Protein change: p.Arg888Trp; replaces arginine 888 with tryptophan.
Molecular consequence: missense variant.
Genome position (GRCh38, 1-based): chr10:76,949,189, G>A on the plus strand (C>T on the coding strand, the complement: KCNMA1 is on the minus strand). VCF-style: chr10-76949189-G-A. GRCh37 (hg19) VCF-style: chr10-78708947-G-A.
Other names: NC_000010.10:g.78708947G>A; c.2500C>T, p.Arg834Trp (NM_001014797.3, NM_001322835.2, NM_001322837.2); c.2611C>T, p.Arg871Trp (NM_001161353.2); c.2338C>T, p.Arg780Trp (NM_001271518.2); c.2497C>T, p.Arg833Trp (NM_001271519.2, NM_001322829.2, NM_001322836.2); c.2509C>T, p.Arg837Trp (NM_001322830.2); c.2488C>T, p.Arg830Trp (NM_001322832.2, NM_001410940.1, NM_002247.4); c.2035C>T, p.Arg679Trp (NM_001322838.2); short protein forms R679W, R780W, R830W, R833W, R834W, R837W, R871W, R888W.
Identifiers: ClinVar variation 2663686 (VCV002663686.2), dbSNP rs763848235, ClinGen allele CA377406162.